The following is an entry in ClinVar:

ClinVar aggregate classification (germline): Uncertain significance. Review status: criteria provided, multiple submitters, no conflicts (2 of 4 stars). 2 submissions from 2 submitters: Uncertain significance (2). Last evaluated 2025-04-20.

Conditions:
Inborn genetic diseases. Identifiers: MedGen C0950123, MeSH D030342.

gnomAD v4.1: 10 of 1,612,632 alleles (0.00062%); highest among the groups gnomAD compares: Non-Finnish European, 0.00085%; no homozygotes.

Submissions (2):

Ambry Genetics
Classification: Uncertain significance for Inborn genetic diseases. Last evaluated: 2025-04-20. Review status: criteria provided, single submitter. Criteria: Ambry Variant Classification Scheme 2023. Collection method: clinical testing. Allele origin: germline.

Labcorp Genetics (formerly Invitae), Labcorp
Classification: Uncertain significance. Last evaluated: 2022-06-13. Review status: criteria provided, single submitter. Criteria: Invitae Variant Classification Sherloc (09022015). Collection method: clinical testing. Allele origin: germline.
Comment: In summary, the available evidence is currently insufficient to determine the role of this variant in disease. Therefore, it has been classified as a Variant of Uncertain Significance. Algorithms developed to predict the effect of missense changes on protein structure and function are either unavailable or do not agree on the potential impact of this missense change (SIFT: "Deleterious"; PolyPhen-2: "Not Available"; Align-GVGD: "Class C0"). This variant has not been reported in the literature in individuals affected with PCLO-related conditions. This variant is present in population databases (rs201699382, gnomAD 0.0009%). This sequence change replaces arginine, which is basic and polar, with leucine, which is neutral and non-polar, at codon 104 of the PCLO protein (p.Arg104Leu).

NM_033026.6(PCLO):c.311G>T (p.Arg104Leu)

Gene: PCLO (piccolo presynaptic cytomatrix protein; minus strand). Cytogenetic location: 7q21.11.
Variant type: single nucleotide variant.
Coding change: c.311G>T on transcript NM_033026.6 (MANE Select); coding-DNA position 311, G replaced by T.
Protein change: p.Arg104Leu; replaces arginine 104 with leucine.
Molecular consequence: missense variant.
Genome position (GRCh38, 1-based): chr7:83,156,330, C>A on the plus strand (G>T on the coding strand, the complement: PCLO is on the minus strand). VCF-style: chr7-83156330-C-A. GRCh37 (hg19) VCF-style: chr7-82785646-C-A.
Other names: c.311G>T, p.Arg104Leu (NM_014510.3); c.311G>T (NM_033026.5); short protein forms R104L.
Identifiers: ClinVar variation 1483900 (VCV001483900.7), dbSNP rs201699382, ClinGen allele CA4321684.